The following is an entry in ClinVar:

NM_000395.3(CSF2RB):c.2660C>G (p.Pro887Arg)

Gene: CSF2RB (colony stimulating factor 2 receptor subunit beta; plus strand). Cytogenetic location: 22q12.3.
Variant type: single nucleotide variant.
Coding change: c.2660C>G on transcript NM_000395.3 (MANE Select); coding-DNA position 2660, C replaced by G.
Protein change: p.Pro887Arg; replaces proline 887 with arginine.
Molecular consequence: missense variant.
Genome position (GRCh38, 1-based): chr22:36,938,468, C>G. VCF-style: chr22-36938468-C-G. GRCh37 (hg19) VCF-style: chr22-37334510-C-G.
Other names: c.2678C>G, p.Pro893Arg (NM_001410827.1); short protein forms P887R, P893R.
Identifiers: ClinVar variation 4690562 (VCV004690562.1).

ClinVar aggregate classification (germline): Uncertain significance (1 of 4 stars; one submission).

gnomAD v4.1: 12 of 1,613,816 alleles (0.00074%); highest among the groups gnomAD compares: Admixed American, 0.0033%; no homozygotes.

Submission:

Labcorp Genetics (formerly Invitae), Labcorp
Classification: Uncertain significance. Last evaluated: 2025-05-11. Review status: criteria provided, single submitter. Criteria: Invitae Variant Classification Sherloc (09022015). Collection method: clinical testing. Allele origin: germline.
Comment: This sequence change replaces proline, which is neutral and non-polar, with arginine, which is basic and polar, at codon 887 of the CSF2RB protein (p.Pro887Arg). This variant is present in population databases (rs773535558, gnomAD 0.01%). This variant has not been reported in the literature in individuals affected with CSF2RB-related conditions. An algorithm developed to predict the effect of missense changes on protein structure and function (PolyPhen-2) suggests that this variant is likely to be disruptive. In summary, the available evidence is currently insufficient to determine the role of this variant in disease. Therefore, it has been classified as a Variant of Uncertain Significance.